The following is an entry in ClinVar:

NM_032492.4(JAGN1):c.56A>G (p.His19Arg)

Gene: JAGN1 (jagunal vesicle mediated transporter 1; plus strand). Cytogenetic location: 3p25.3.
Variant type: single nucleotide variant.
Coding change: c.56A>G on transcript NM_032492.4 (MANE Select); coding-DNA position 56, A replaced by G.
Protein change: p.His19Arg; replaces histidine 19 with arginine.
Molecular consequence: missense variant. On other transcripts: 5 prime UTR variant (1).
Genome position (GRCh38, 1-based): chr3:9,890,778, A>G. VCF-style: chr3-9890778-A-G. GRCh37 (hg19) VCF-style: chr3-9932462-A-G.
Other names: c.-213A>G (NM_001363890.1); short protein forms H19R.
Identifiers: ClinVar variation 943976 (VCV000943976.7), dbSNP rs748123071, ClinGen allele CA2245793.
Genomic context (GRCh38, chr3:9,890,778, plus strand): 5'-GCACAATGGCGTCTCGAGCAGGCCCGCGAGCGGCCGGCACCGACGGCAGCGACTTTCAGC[A>G]CCGGGAGCGCGTCGCCATGCACTACCAGATGAGGTATGAAGTGAGGCGAGGAGCACGGAG-3'
Protein context (NP_115881.3, residues 9-29): AAGTDGSDFQ[His19Arg]RERVAMHYQM

ClinVar aggregate classification (germline): Conflicting classifications of pathogenicity. Review status: criteria provided, conflicting classifications (1 of 4 stars). 2 submissions from 2 submitters: Uncertain significance (1); Likely benign (1). Last evaluated 2025-12-16.

Conditions:
Autosomal recessive severe congenital neutropenia due to JAGN1 deficiency. Also called: Severe congenital neutropenia 6, autosomal recessive. Identifiers: Orphanet 423384, MedGen C4014954, MONDO:0014456, OMIM 616022.

Allele frequency attached by ClinVar (database versions not stated): gnomAD 0.00001; TOPMed 0.00001.
gnomAD v4.1: 19 of 1,609,802 alleles (0.0012%); highest among the groups gnomAD compares: Admixed American, 0.03%; no homozygotes.

Submissions (2):

Labcorp Genetics (formerly Invitae), Labcorp
Classification: Uncertain significance for Autosomal recessive severe congenital neutropenia due to JAGN1 deficiency. Last evaluated: 2025-12-16. Review status: criteria provided, single submitter. Criteria: Invitae Variant Classification Sherloc (09022015). Collection method: clinical testing. Allele origin: germline.
Comment: This sequence change replaces histidine, which is basic and polar, with arginine, which is basic and polar, at codon 19 of the JAGN1 protein (p.His19Arg). This variant is present in population databases (rs748123071, gnomAD 0.04%). This variant has not been reported in the literature in individuals affected with JAGN1-related conditions. ClinVar contains an entry for this variant (Variation ID: 943976). An algorithm developed to predict the effect of missense changes on protein structure and function (PolyPhen-2) suggests that this variant is likely to be disruptive. In summary, the available evidence is currently insufficient to determine the role of this variant in disease. Therefore, it has been classified as a Variant of Uncertain Significance.

3billion
Classification: Likely benign for Autosomal recessive severe congenital neutropenia due to JAGN1 deficiency. Last evaluated: 2024-09-20. Review status: criteria provided, single submitter. Criteria: ACMG Guidelines, 2015. Collection method: clinical testing. Allele origin: germline. Affected: no.
Comment: The homozygous variant was found in patients diagnosed with another variant in a different gene, with no symptoms related to the gene containing the homozygous variant.